The following is an entry in ClinVar:

NM_003302.3(TRIP6):c.372G>A (p.Glu124=)

Gene: TRIP6 (thyroid hormone receptor interactor 6; plus strand). Cytogenetic location: 7q22.1.
Variant type: single nucleotide variant.
Coding change: c.372G>A on transcript NM_003302.3 (MANE Select); coding-DNA position 372, G replaced by A.
Protein change: p.Glu124=; no amino-acid change (glutamic acid 124 retained).
Molecular consequence: synonymous variant.
Genome position (GRCh38, 1-based): chr7:100,868,503, G>A. VCF-style: chr7-100868503-G-A. GRCh37 (hg19) VCF-style: chr7-100466125-G-A.
Identifiers: ClinVar variation 3905597 (VCV003905597.10).

ClinVar aggregate classification (germline): Likely benign (1 of 4 stars; one submission).

Submission:

CeGaT Center for Human Genetics Tuebingen
Classification: Likely benign. Last evaluated: 2025-06-01. Review status: criteria provided, single submitter. Criteria: CeGaT Center For Human Genetics Tuebingen Variant Classification Criteria Version 2. Collection method: clinical testing. Allele origin: germline. Affected: yes. Observed: 1 variant allele.
Comment: TRIP6: PM2:Supporting, BP4, BP7